The following is an entry in ClinVar:

NM_001363711.2(DUOX2):c.102A>T (p.Glu34Asp)

Gene: DUOX2 (dual oxidase 2; minus strand). Cytogenetic location: 15q21.1.
Variant type: single nucleotide variant.
Coding change: c.102A>T on transcript NM_001363711.2 (MANE Select); coding-DNA position 102, A replaced by T.
Protein change: p.Glu34Asp; replaces glutamic acid 34 with aspartic acid.
Molecular consequence: missense variant.
Genome position (GRCh38, 1-based): chr15:45,113,045, T>A on the plus strand (A>T on the coding strand, the complement: DUOX2 is on the minus strand). VCF-style: chr15-45113045-T-A. GRCh37 (hg19) VCF-style: chr15-45405243-T-A.
Other names: c.102A>T, p.Glu34Asp (NM_014080.5); short protein forms E34D.
Identifiers: ClinVar variation 1415099 (VCV001415099.5), dbSNP rs2141160285, ClinGen allele CA392280252.

ClinVar aggregate classification (germline): Uncertain significance (1 of 4 stars; one submission).

Allele frequency attached by ClinVar (database versions not stated): gnomAD exomes below 0.00001.
gnomAD v4.1: 3 of 1,614,004 alleles (0.00019%); highest among the groups gnomAD compares: South Asian, 0.0011%; no homozygotes.

Submission:

Labcorp Genetics (formerly Invitae), Labcorp
Classification: Uncertain significance. Last evaluated: 2022-05-12. Review status: criteria provided, single submitter. Criteria: Invitae Variant Classification Sherloc (09022015). Collection method: clinical testing. Allele origin: germline.
Comment: This sequence change replaces glutamic acid, which is acidic and polar, with aspartic acid, which is acidic and polar, at codon 34 of the DUOX2 protein (p.Glu34Asp). This variant is not present in population databases (gnomAD no frequency). This variant has not been reported in the literature in individuals affected with DUOX2-related conditions. Advanced modeling of protein sequence and biophysical properties (such as structural, functional, and spatial information, amino acid conservation, physicochemical variation, residue mobility, and thermodynamic stability) performed at Invitae indicates that this missense variant is not expected to disrupt DUOX2 protein function. In summary, the available evidence is currently insufficient to determine the role of this variant in disease. Therefore, it has been classified as a Variant of Uncertain Significance.